The following is an entry in ClinVar:

NM_003873.7(NRP1):c.1864+8A>C

Gene: NRP1 (neuropilin 1; minus strand). Cytogenetic location: 10p11.22.
Variant type: single nucleotide variant.
Coding change: c.1864+8A>C on transcript NM_003873.7 (MANE Select); 8 bases into the intron after coding-DNA position 1864, A replaced by C.
Molecular consequence: intron variant.
Genome position (GRCh38, 1-based): chr10:33,202,883, T>G on the plus strand (A>C on the coding strand, the complement: NRP1 is on the minus strand). VCF-style: chr10-33202883-T-G. GRCh37 (hg19) VCF-style: chr10-33491811-T-G.
Other names: c.1843+29A>C (NM_001244973.2, NM_001244972.2); c.1864+8A>C (NM_001330068.2, NM_001024628.3); c.1759+4689A>C (NM_001024629.3).
Identifiers: ClinVar variation 4998422 (VCV004998422.1).

ClinVar aggregate classification (germline): Likely benign (1 of 4 stars; one submission).

Conditions:
NRP1-related disorder. Also called: NRP1-related condition.

Submission:

PreventionGenetics, part of Exact Sciences
Classification: Likely benign for NRP1-related condition. Last evaluated: 2024-11-14. Review status: criteria provided, single submitter. Criteria: ACMG Guidelines, 2015. Collection method: clinical testing. Allele origin: germline.
Comment: This variant is classified as likely benign based on ACMG/AMP sequence variant interpretation guidelines (Richards et al. 2015 PMID: 25741868, with internal and published modifications).